The following is an entry in ClinVar:

ClinVar aggregate classification (germline): Uncertain significance (1 of 4 stars; one submission).

Submission:

GeneDx
Classification: Uncertain significance. Last evaluated: 2024-10-25. Review status: criteria provided, single submitter. Criteria: GeneDx Variant Classification Process June 2021. Collection method: clinical testing. Allele origin: germline. Affected: yes.
Comment: Not observed at significant frequency in large population cohorts (gnomAD); In silico analysis supports that this missense variant has a deleterious effect on protein structure/function; Has not been previously published as pathogenic or benign to our knowledge

NM_001162501.2(TNRC6B):c.5393A>G (p.Tyr1798Cys)

Gene: TNRC6B (trinucleotide repeat containing adaptor 6B; plus strand). Cytogenetic location: 22q13.1.
Variant type: single nucleotide variant.
Coding change: c.5393A>G on transcript NM_001162501.2 (MANE Select); coding-DNA position 5393, A replaced by G.
Protein change: p.Tyr1798Cys; replaces tyrosine 1798 with cysteine.
Molecular consequence: missense variant.
Genome position (GRCh38, 1-based): chr22:40,323,132, A>G. VCF-style: chr22-40323132-A-G. GRCh37 (hg19) VCF-style: chr22-40719136-A-G.
Other names: c.2981A>G, p.Tyr994Cys (NM_001024843.2); c.5063A>G, p.Tyr1688Cys (NM_015088.3); short protein forms Y1688C, Y1798C, Y994C.
Identifiers: ClinVar variation 3893495 (VCV003893495.1).